The following is an entry in ClinVar:

NM_152564.5(VPS13B):c.8792+2T>C

Gene: VPS13B (vacuolar protein sorting 13 homolog B; plus strand). Cytogenetic location: 8q22.2.
Variant type: single nucleotide variant.
Coding change: c.8792+2T>C on transcript NM_152564.5 (MANE Select); the canonical splice donor site of the intron after coding-DNA position 8792, T replaced by C.
Molecular consequence: splice donor variant.
Genome position (GRCh38, 1-based): chr8:99,819,584, T>C. VCF-style: chr8-99819584-T-C. GRCh37 (hg19) VCF-style: chr8-100831812-T-C.
Other names: c.8867+2T>C (NM_017890.5).
Identifiers: ClinVar variation 5007365 (VCV005007365.2).

ClinVar aggregate classification (germline): Likely pathogenic (1 of 4 stars; one submission).

Conditions:
Cohen syndrome (COH1). Also called: PEPPER SYNDROME; Cutis verticis gyrata, retinitis pigmentosa, and sensorineural deafness. Identifiers: Orphanet 193, MedGen C0265223, MONDO:0008999, OMIM 216550.

Submission:

Juno Genomics, Hangzhou Juno Genomics, Inc
Classification: Likely pathogenic for Cohen syndrome. Review status: criteria provided, single submitter. Criteria: ACMG Guidelines, 2015. Collection method: clinical testing. Allele origin: germline.
Comment: Null variant in a gene where loss of function (LOF) is a known mechanism of disease.;Absent from controls (or at extremely low frequency if recessive) in Genome Aggregation Database.